The following is an entry in ClinVar:

ClinVar aggregate classification (germline): Conflicting classifications of pathogenicity. Review status: criteria provided, conflicting classifications (1 of 4 stars). 6 submissions from 6 submitters: Uncertain significance (5); Likely benign (1). Last evaluated 2026-01-18.

Conditions:
Hereditary breast ovarian cancer syndrome. Also called: Hereditary breast and ovarian cancer; Breast and ovarian cancer; BRCA1- and BRCA2-Associated Hereditary Breast and Ovarian Cancer; Hereditary breast and ovarian cancer syndrome; Hereditary breast and ovarian cancer syndrome (HBOC); Hereditary breast and/or ovarian cancer syndrome. Identifiers: Orphanet 145, MedGen C0677776, MeSH D061325, MONDO:0003582. Disease mechanism: loss of function.
Hereditary cancer-predisposing syndrome. Also called: Tumor predisposition; Hereditary Cancer Syndrome; Hereditary neoplastic syndrome; Neoplastic Syndromes, Hereditary. Identifiers: Orphanet 140162, MedGen C0027672, MeSH D009386, MONDO:0015356.
Familial cancer of breast. Also called: hereditary breast carcinoma; BREAST CANCER, FAMILIAL; Hereditary breast cancer. Identifiers: Orphanet 227535, MedGen C0346153, MONDO:0016419, OMIM 114480. Disease mechanism: loss of function.
Breast-ovarian cancer, familial, susceptibility to, 2 (BROVCA2). Also called: BRCA2 Hereditary Breast and Ovarian Cancer. Identifiers: Orphanet 145, MedGen C2675520, MONDO:0012933, OMIM 612555. Disease mechanism: loss of function.

Submissions (6):

Labcorp Genetics (formerly Invitae), Labcorp
Classification: Uncertain significance for Hereditary breast ovarian cancer syndrome. Last evaluated: 2026-01-18. Review status: criteria provided, single submitter. Criteria: Invitae Variant Classification Sherloc (09022015). Collection method: clinical testing. Allele origin: germline.
Comment: This sequence change replaces proline, which is neutral and non-polar, with arginine, which is basic and polar, at codon 2798 of the BRCA2 protein (p.Pro2798Arg). This variant is not present in population databases (gnomAD no frequency). This missense change has been observed in individual(s) with breast cancer (PMID: 34178674). ClinVar contains an entry for this variant (Variation ID: 234511). Invitae Evidence Modeling of protein sequence and biophysical properties (such as structural, functional, and spatial information, amino acid conservation, physicochemical variation, residue mobility, and thermodynamic stability) indicates that this missense variant is not expected to disrupt BRCA2 protein function with a negative predictive value of 95%. In summary, the available evidence is currently insufficient to determine the role of this variant in disease. Therefore, it has been classified as a Variant of Uncertain Significance.

Ambry Genetics
Classification: Likely benign for Hereditary cancer-predisposing syndrome. Last evaluated: 2025-05-08. Review status: criteria provided, single submitter. Criteria: Ambry Variant Classification Scheme 2023. Collection method: clinical testing. Allele origin: germline.

Baylor Genetics
Classification: Uncertain significance for Familial cancer of breast. Last evaluated: 2024-03-21. Review status: criteria provided, single submitter. Criteria: ACMG Guidelines, 2015. Collection method: clinical testing. Allele origin: unknown.

All of Us Research Program, National Institutes of Health
Classification: Uncertain significance for Breast-ovarian cancer, familial, susceptibility to, 2. Last evaluated: 2023-10-23. Review status: criteria provided, single submitter. Criteria: ACMG Guidelines, 2015. Collection method: clinical testing. Allele origin: germline. Inheritance: Autosomal dominant inheritance. Observed: 1 variant allele, 1 heterozygote.
Comment: This missense variant replaces proline with arginine at codon 2798 of the BRCA2 protein. Computational prediction is inconclusive regarding the impact of this variant on protein structure and function (internally defined REVEL score threshold 0.5 < inconclusive < 0.7, PMID: 27666373). To our knowledge, functional studies have not been reported for this variant. This variant has been reported in two individuals affected with breast cancer (PMID: 32380732, 34178674). This variant has not been identified in the general population by the Genome Aggregation Database (gnomAD). The available evidence is insufficient to determine the role of this variant in disease conclusively. Therefore, this variant is classified as a Variant of Uncertain Significance.

This study involves interpretation of variants in research participants for the purpose of population health screening. Participant phenotype was not available at the time of variant classification. Additional details can be found in publication PMID: 35346344, PMCID: PMC8962531

Women's Health and Genetics/Laboratory Corporation of America, LabCorp
Classification: Uncertain significance. Last evaluated: 2021-04-04. Review status: criteria provided, single submitter. Criteria: LabCorp Variant Classification Summary - May 2015. Collection method: clinical testing. Allele origin: germline.
Comment: Variant summary: BRCA2 c.8393C>G (p.Pro2798Arg) results in a non-conservative amino acid change in the encoded protein sequence. Five of five in-silico tools predict a damaging effect of the variant on protein function. The variant was absent in 251440 control chromosomes. The available data on variant occurrences in the general population are insufficient to allow any conclusion about variant significance. c.8393C>G has been reported in the literature in individuals affected with Hereditary Breast And Ovarian Cancer (example, Incorvaia_2020). These report(s) do not provide unequivocal conclusions about association of the variant with Hereditary Breast And Ovarian Cancer Syndrome. To our knowledge, no experimental evidence demonstrating an impact on protein function has been reported. One clinical diagnostic laboratory has submitted clinical-significance assessments for this variant to ClinVar after 2014 without evidence for independent evaluation and classified the variant as uncertain significance. Based on the evidence outlined above, the variant was classified as uncertain significance.

GeneDx
Classification: Uncertain significance. Last evaluated: 2016-02-24. Review status: criteria provided, single submitter. Criteria: GeneDx Variant Classification (06012015). Collection method: clinical testing. Allele origin: germline. Affected: yes.
Comment: This variant is denoted BRCA2 c.8393C>G at the cDNA level, p.Pro2798Arg (P2798R) at the protein level, and results in the change of a Proline to an Arginine (CCT>CGT). Using alternate nomenclature, this variant would be defined as BRCA2 8621C>G. This variant has not, to our knowledge, been published in the literature as pathogenic or benign. BRCA2 Pro2798Arg was not observed in approximately 6,500 individuals of European and African American ancestry in the NHLBI Exome Sequencing Project, suggesting it is not a common benign variant in these populations. Since Proline and Arginine differ in polarity, charge, size or other properties, this is considered a non-conservative amino acid substitution. BRCA2 Pro2798Arg occurs at a position that is conserved across species and is located in the DSS1 contacting residue and SHFM1 binding domain (Marston 1999, Yang 2002). In silico analyses predict that this variant is probably damaging to protein structure and function. Based on currently available evidence, it is unclear whether BRCA2 Pro2798Arg is a pathogenic or benign variant. We consider it to be a variant of uncertain significance.

Literature cited by the submitters: PubMed 34178674 (cited by Labcorp Genetics (formerly Invitae), Labcorp and All of Us Research Program, National Institutes of Health); PubMed 32380732 (cited by All of Us Research Program, National Institutes of Health and Women's Health and Genetics/Laboratory Corporation of America, LabCorp).

NM_000059.4(BRCA2):c.8393C>G (p.Pro2798Arg)

Gene: BRCA2 (BRCA2 DNA repair associated; plus strand). Cytogenetic location: 13q13.1.
Variant type: single nucleotide variant.
Coding change: c.8393C>G on transcript NM_000059.4 (MANE Select); coding-DNA position 8393, C replaced by G.
Protein change: p.Pro2798Arg; replaces proline 2798 with arginine.
Molecular consequence: missense variant.
Genome position (GRCh38, 1-based): chr13:32,370,463, C>G. VCF-style: chr13-32370463-C-G. GRCh37 (hg19) VCF-style: chr13-32944600-C-G.
Other names: short protein forms P2798R.
Identifiers: ClinVar variation 234511 (VCV000234511.10), dbSNP rs276174906, ClinGen allele CA10577493.
Genomic context (GRCh38, chr13:32,370,463, plus strand): 5'-TTTCTGCTAACAGTACTCGGCCTGCTCGCTGGTATACCAAACTTGGATTCTTTCCTGACC[C>G]TAGACCTTTTCCTCTGCCCTTATCATCGCTTTTCAGTGATGGAGGAAATGTTGGTTGTGT-3'
Protein context (NP_000050.3, residues 2788-2808): WYTKLGFFPD[Pro2798Arg]RPFPLPLSSL